The following is an entry in ClinVar:

ClinVar aggregate classification (germline): Uncertain significance (1 of 4 stars; one submission).

Conditions:
Mucolipidosis type II. Also called: Mucolipidosis II Alpha/Beta; Mucolipidosis 2; ML 2; Inclusion cell disease; Leroy Disease; N-acetylglucosamine 1phosphotransferase deficiency. Identifiers: Orphanet 576, MedGen C2673377, MONDO:0009650, OMIM 252500.
Pseudo-Hurler polydystrophy. Also called: MUCOLIPIDOSIS IIIA; ML IIIA; Mucolipidosis III Alpha/Beta; Type III Mucolipidosis; ML III; ML III ALPHA/BETA. Identifiers: Orphanet 423461, Orphanet 577, MedGen C0033788, MONDO:0018931, OMIM 252600.

Submission:

Labcorp Genetics (formerly Invitae), Labcorp
Classification: Uncertain significance for Pseudo-Hurler polydystrophy; I cell disease. Last evaluated: 2018-06-15. Review status: criteria provided, single submitter. Criteria: Invitae Variant Classification Sherloc (09022015). Collection method: clinical testing. Allele origin: germline.
Comment: This variant results in a copy number gain of the genomic region encompassing exon 1 of the GNPTAB gene. The 5' end of this event is unknown as it extends beyond the assayed region for this gene and therefore may encompass additional genes. The 3' boundary is likely confined to intron 1 of the GNPTAB gene. As the precise location of this event is unknown, it may be in tandem or it may be located elsewhere in the genome. This variant has not been reported in the literature in individuals with GNPTAB-related disease. Experimental studies and prediction algorithms are not available for this variant, and the functional significance of thisÂ¬â€ copy number gainÂ¬â€ is currently unknown. In summary, the available evidence is currently insufficient to determine the role of this variant in disease. Therefore, it has been classified as a Variant of Uncertain Significance.

NC_000012.11:g.(?_102224317)_(102224473_?)dup

Gene: GNPTAB (N-acetylglucosamine-1-phosphate transferase subunits alpha and beta; minus strand). Cytogenetic location: 12q23.2.
Variant type: Duplication.
Identifiers: ClinVar variation 584048 (VCV000584048.1).